The following is an entry in ClinVar:

ClinVar aggregate classification (germline): Uncertain significance (1 of 4 stars; one submission).

Allele frequency attached by ClinVar (database versions not stated): gnomAD exomes below 0.00001.
gnomAD v4.1: 11 of 1,614,174 alleles (0.00068%); highest among the groups gnomAD compares: African/African-American, 0.0093%; no homozygotes.

Submission:

Labcorp Genetics (formerly Invitae), Labcorp
Classification: Uncertain significance. Last evaluated: 2022-04-07. Review status: criteria provided, single submitter. Criteria: Invitae Variant Classification Sherloc (09022015). Collection method: clinical testing. Allele origin: germline.
Comment: This sequence change replaces alanine, which is neutral and non-polar, with proline, which is neutral and non-polar, at codon 388 of the ADD3 protein (p.Ala388Pro). This variant is not present in population databases (gnomAD no frequency). This variant has not been reported in the literature in individuals affected with ADD3-related conditions. Algorithms developed to predict the effect of missense changes on protein structure and function are either unavailable or do not agree on the potential impact of this missense change (SIFT: "Not Available"; PolyPhen-2: "Possibly Damaging"; Align-GVGD: "Not Available"). Algorithms developed to predict the effect of sequence changes on RNA splicing suggest that this variant may create or strengthen a splice site. In summary, the available evidence is currently insufficient to determine the role of this variant in disease. Therefore, it has been classified as a Variant of Uncertain Significance.

NM_016824.5(ADD3):c.1162G>C (p.Ala388Pro)

Gene: ADD3 (adducin 3; plus strand). Cytogenetic location: 10q25.2.
Variant type: single nucleotide variant.
Coding change: c.1162G>C on transcript NM_016824.5 (MANE Select); coding-DNA position 1162, G replaced by C.
Protein change: p.Ala388Pro; replaces alanine 388 with proline.
Molecular consequence: missense variant.
Genome position (GRCh38, 1-based): chr10:110,124,035, G>C. VCF-style: chr10-110124035-G-C. GRCh37 (hg19) VCF-style: chr10-111883793-G-C.
Other names: c.1162G>C, p.Ala388Pro (NM_001121.4, NM_001320591.2, NM_001320592.2 and 2 more transcripts); c.928G>C, p.Ala310Pro (NM_001320594.2); short protein forms A388P, A310P.
Identifiers: ClinVar variation 1980197 (VCV001980197.4), dbSNP rs529703729, ClinGen allele CA213208772.